The following is an entry in ClinVar:

NM_004525.3(LRP2):c.11071C>T (p.Arg3691Cys)

Gene: LRP2 (LDL receptor related protein 2; minus strand). Cytogenetic location: 2q31.1.
Variant type: single nucleotide variant.
Coding change: c.11071C>T on transcript NM_004525.3 (MANE Select); coding-DNA position 11071, C replaced by T.
Protein change: p.Arg3691Cys; replaces arginine 3691 with cysteine.
Molecular consequence: missense variant.
Genome position (GRCh38, 1-based): chr2:169,173,168, G>A on the plus strand (C>T on the coding strand, the complement: LRP2 is on the minus strand). VCF-style: chr2-169173168-G-A. GRCh37 (hg19) VCF-style: chr2-170029678-G-A.
Other names: c.11071C>T (NM_004525.2); short protein forms R3691C.
Identifiers: ClinVar variation 2170462 (VCV002170462.3), dbSNP rs777854496, ClinGen allele CA1953176.

ClinVar aggregate classification (germline): Uncertain significance. Review status: criteria provided, multiple submitters, no conflicts (2 of 4 stars). 3 submissions from 3 submitters: Uncertain significance (3). Last evaluated 2024-08-28.

Conditions:
Inborn genetic diseases. Identifiers: MedGen C0950123, MeSH D030342.

Allele frequency attached by ClinVar (database versions not stated): gnomAD 0.00001; ExAC 0.00002; gnomAD exomes 0.00002; TOPMed 0.00003.
gnomAD v4.1: 25 of 1,614,038 alleles (0.0015%); highest among the groups gnomAD compares: African/African-American, 0.004%; no homozygotes.

Submissions (3):

Blueprint Genetics
Classification: Uncertain significance. Last evaluated: 2024-08-28. Review status: criteria provided, single submitter. Criteria: ACMG Guidelines, 2015. Collection method: clinical testing. Allele origin: germline.

Ambry Genetics
Classification: Uncertain significance for Inborn genetic diseases. Last evaluated: 2024-08-06. Review status: criteria provided, single submitter. Criteria: Ambry Variant Classification Scheme 2023. Collection method: clinical testing. Allele origin: germline.

Labcorp Genetics (formerly Invitae), Labcorp
Classification: Uncertain significance. Last evaluated: 2022-10-05. Review status: criteria provided, single submitter. Criteria: Invitae Variant Classification Sherloc (09022015). Collection method: clinical testing. Allele origin: germline.
Comment: This sequence change replaces arginine, which is basic and polar, with cysteine, which is neutral and slightly polar, at codon 3691 of the LRP2 protein (p.Arg3691Cys). This variant is present in population databases (rs777854496, gnomAD 0.007%). This variant has not been reported in the literature in individuals affected with LRP2-related conditions. Advanced modeling of protein sequence and biophysical properties (such as structural, functional, and spatial information, amino acid conservation, physicochemical variation, residue mobility, and thermodynamic stability) performed at Invitae indicates that this missense variant is not expected to disrupt LRP2 protein function. Algorithms developed to predict the effect of sequence changes on RNA splicing suggest that this variant may disrupt the consensus splice site. In summary, the available evidence is currently insufficient to determine the role of this variant in disease. Therefore, it has been classified as a Variant of Uncertain Significance.